The following is an entry in ClinVar:

NM_022455.5(NSD1):c.4919G>A (p.Cys1640Tyr)

Gene: NSD1 (nuclear receptor binding SET domain protein 1; plus strand). Cytogenetic location: 5q35.3.
Variant type: single nucleotide variant.
Coding change: c.4919G>A on transcript NM_022455.5 (MANE Select); coding-DNA position 4919, G replaced by A.
Protein change: p.Cys1640Tyr; replaces cysteine 1640 with tyrosine.
Molecular consequence: missense variant.
Genome position (GRCh38, 1-based): chr5:177,257,104, G>A. VCF-style: chr5-177257104-G-A. GRCh37 (hg19) VCF-style: chr5-176684105-G-A.
Other names: c.4046G>A, p.Cys1349Tyr (NM_001365684.2, NM_001409308.1, NM_001409309.1 and 1 more transcripts); c.4919G>A, p.Cys1640Tyr (NM_001409301.1, NM_001409302.1, NM_001409303.1); c.4499G>A, p.Cys1500Tyr (NM_001409304.1); c.4166G>A, p.Cys1389Tyr (NM_001409305.1); c.4157G>A, p.Cys1386Tyr (NM_001409306.1, NM_001409307.1); short protein forms C1349Y, C1386Y, C1389Y, C1500Y, C1640Y.
Identifiers: ClinVar variation 2500698 (VCV002500698.3), dbSNP rs2149912636, ClinGen allele CA362356118.
Genomic context (GRCh38, chr5:177,257,104, plus strand): 5'-TCCAGAAGTACCCACCCACTGTTATGCAGAACAAGGGCTTCCGGTGCTCCCTCCACATCT[G>A]TATAACCTGTCATGCTGCTAATCCAGCCAATGTTTCTGCATCTAAAGGTATGGATTTCTT-3'
Protein context (NP_071900.2, residues 1630-1650): NKGFRCSLHI[Cys1640Tyr]ITCHAANPAN

ClinVar aggregate classification (germline): Pathogenic (1 of 4 stars; one submission).

Conditions:
Sotos syndrome (SOTOS). Also called: Sotos' syndrome; Distinctive facial appearance, overgrowth in childhood, and learning disabilities or delayed development; CEREBRAL GIGANTISM; CHROMOSOME 5q35 DELETION SYNDROME; SOTOS SYNDROME 1. Identifiers: Orphanet 821, MedGen C0175695, MONDO:0019349, OMIM 117550.

Submission:

Victorian Clinical Genetics Services, Murdoch Childrens Research Institute
Classification: Pathogenic for Sotos syndrome. Last evaluated: 2021-05-06. Review status: criteria provided, single submitter. Criteria: ACMG Guidelines, 2015. Collection method: clinical testing. Allele origin: germline. Inheritance: Autosomal dominant inheritance. Affected: yes.
Comment: Based on the classification scheme VCGS_Germline_v1.3.4, this variant is classified as Pathogenic. Following criteria are met: 0102 - Loss of function is a known mechanism of disease in this gene and is associated with Sotos syndrome 1 (MIM# 117550). (I) 0107 - This gene is associated with autosomal dominant disease. (I) 0200 - Variant is predicted to result in a missense amino acid change from cysteine to tyrosine. (I) 0251 - This variant is heterozygous. (I) 0301 - Variant is absent from gnomAD (both v2 and v3). (SP) 0501 - Missense variant consistently predicted to be damaging by multiple in silico tools or highly conserved with a major amino acid change. (SP) 0601 - Variant is located at a cysteine residue within the well-established zinc-finger motif (Uniprot, NCBI). (SP) 0703 - Other missense variants comparable to the one identified in this case have moderate previous evidence for pathogenicity. Missense variants p.(Cys1640Ser) and p.(Cys1640Arg) have been reported once as likely pathogenic, and once in an individual with overgrowth and intellectual disability respectively (ClinVar, PMID: 28475857). (SP) 0802 - This variant has moderate previous evidence of pathogenicity in unrelated individuals. This variant has been reported in two individuals (once de novo), one with Sotos syndrome, and one with intellectual disability with overgrowth (PMID: 15942875, 28475857). (SP) 0905 - No published segregation evidence has been identified for this variant. (SP) Legend: (SP) - Supporting pathogenic, (I) - Information, (SB) - Supporting benign

Literature cited by the submitters: PubMed 15942875; PubMed 28475857.